The following is an entry in ClinVar:

ClinVar aggregate classification (germline): Uncertain significance (1 of 4 stars; one submission).

Allele frequency attached by ClinVar (database versions not stated): gnomAD exomes below 0.00001; TOPMed below 0.00001.
gnomAD v4.1: 1 of 1,613,630 alleles (0.000062%); highest among the groups gnomAD compares: Non-Finnish European, 0.000085%; no homozygotes.

Submission:

GeneDx
Classification: Uncertain significance. Last evaluated: 2023-03-23. Review status: criteria provided, single submitter. Criteria: GeneDx Variant Classification Process June 2021. Collection method: clinical testing. Allele origin: germline. Affected: yes.
Comment: Not observed at significant frequency in large population cohorts (gnomAD); In silico analysis supports that this missense variant has a deleterious effect on protein structure/function; Has not been previously published as pathogenic or benign to our knowledge

NM_001367534.1(CAMK2G):c.1180A>G (p.Asn394Asp)

Gene: CAMK2G (calcium/calmodulin dependent protein kinase II gamma; minus strand). Cytogenetic location: 10q22.2.
Variant type: single nucleotide variant.
Coding change: c.1180A>G on transcript NM_001367534.1 (MANE Select); coding-DNA position 1180, A replaced by G.
Protein change: p.Asn394Asp; replaces asparagine 394 with aspartic acid.
Molecular consequence: missense variant. On other transcripts: non-coding transcript variant (8), intron variant (1).
Genome position (GRCh38, 1-based): chr10:73,824,060, T>C on the plus strand (A>G on the coding strand, the complement: CAMK2G is on the minus strand). VCF-style: chr10-73824060-T-C. GRCh37 (hg19) VCF-style: chr10-75583818-T-C.
Other names: c.1147A>G, p.Asn383Asp (NM_001204492.2, NM_001367521.1, NM_001367544.1); c.1015A>G, p.Asn339Asp (NM_001222.4, NM_001367528.1, NM_001367541.1 and 1 more transcripts); c.1111A>G, p.Asn371Asp (NM_001320898.2, NM_001367523.1, NM_001367546.1 and 2 more transcripts); c.1060A>G, p.Asn354Asp (NM_001367514.1, NM_001367525.1, NM_001367532.1); c.1084A>G, p.Asn362Asp (NM_001367516.1, NM_001367517.1, NM_001367526.1 and 4 more transcripts); c.1048A>G, p.Asn350Asp (NM_001367518.1, NM_001367519.1, NM_001367522.1 and 1 more transcripts); c.1042A>G, p.Asn348Asp (NM_001367520.1, NM_001367533.1, NM_172173.3); c.865A>G, p.Asn289Asp (NM_001367524.1); and 9 more; short protein forms N117D, N132D, N235D, N280D, N289D, N339D, N348D, N350D.
Identifiers: ClinVar variation 2580703 (VCV002580703.1), dbSNP rs2090084601, ClinGen allele CA377301197.
Genomic context (GRCh38, chr10:73,824,060, plus strand): 5'-CTGACCTGGAAAGCAGGAGGCAGGCTCAGGAGCCACTCACCTTGATCCCATCTGTAGCGT[T>C]GTGTACCACAGTGGTTTGTGGCTCCTGTGAGAGAAGATGAAGATTACCCTTCCGACTTGG-3'
Protein context (NP_001354463.1, residues 384-404): AMEPQTTVVH[Asn394Asp]ATDGIKGSTE